The following is an entry in ClinVar:

ClinVar aggregate classification (germline): Uncertain significance (1 of 4 stars; one submission).

Conditions:
Emery-Dreifuss muscular dystrophy 5, autosomal dominant (EDMD5). Also called: EMERY-DREIFUSS MUSCULAR DYSTROPHY 5. Identifiers: Orphanet 261, MedGen C2751805, MONDO:0013072, OMIM 612999.

Allele frequency attached by ClinVar (database versions not stated): gnomAD 0.00001; 1000 Genomes Project 30x 0.00016; 1000 Genomes Project 0.00020.
gnomAD v4.1: 1 of 1,614,094 alleles (0.000062%); highest among the groups gnomAD compares: East Asian, 0.0022%; no homozygotes.

Submission:

Labcorp Genetics (formerly Invitae), Labcorp
Classification: Uncertain significance for Emery-Dreifuss muscular dystrophy 5, autosomal dominant. Last evaluated: 2022-04-28. Review status: criteria provided, single submitter. Criteria: Invitae Variant Classification Sherloc (09022015). Collection method: clinical testing. Allele origin: germline.
Comment: In summary, the available evidence is currently insufficient to determine the role of this variant in disease. Therefore, it has been classified as a Variant of Uncertain Significance. Algorithms developed to predict the effect of missense changes on protein structure and function output the following: SIFT: "Tolerated"; PolyPhen-2: "Possibly Damaging"; Align-GVGD: "Class C0". The aspartic acid amino acid residue is found in multiple mammalian species, which suggests that this missense change does not adversely affect protein function. This variant has not been reported in the literature in individuals affected with SYNE2-related conditions. This variant is not present in population databases (gnomAD no frequency). This sequence change replaces asparagine, which is neutral and polar, with aspartic acid, which is acidic and polar, at codon 4684 of the SYNE2 protein (p.Asn4684Asp).

NM_182914.3(SYNE2):c.14050A>G (p.Asn4684Asp)

Gene: SYNE2 (spectrin repeat containing nuclear envelope protein 2; plus strand). Cytogenetic location: 14q23.2.
Variant type: single nucleotide variant.
Coding change: c.14050A>G on transcript NM_182914.3 (MANE Select); coding-DNA position 14050, A replaced by G.
Protein change: p.Asn4684Asp; replaces asparagine 4684 with aspartic acid.
Molecular consequence: missense variant.
Genome position (GRCh38, 1-based): chr14:64,129,812, A>G. VCF-style: chr14-64129812-A-G. GRCh37 (hg19) VCF-style: chr14-64596530-A-G.
Other names: c.14050A>G, p.Asn4684Asp (NM_015180.6); short protein forms N4684D.
Identifiers: ClinVar variation 2131397 (VCV002131397.4), dbSNP rs542872767, ClinGen allele CA261852859.